The following is an entry in ClinVar:

NM_005502.4(ABCA1):c.5449C>T (p.Arg1817Ter)

Gene: ABCA1 (ATP binding cassette subfamily A member 1; minus strand). Cytogenetic location: 9q31.1.
Variant type: single nucleotide variant.
Coding change: c.5449C>T on transcript NM_005502.4 (MANE Select); coding-DNA position 5449, C replaced by T.
Protein change: p.Arg1817Ter; replaces arginine 1817 with a stop codon.
Molecular consequence: nonsense.
Genome position (GRCh38, 1-based): chr9:104,794,444, G>A on the plus strand (C>T on the coding strand, the complement: ABCA1 is on the minus strand). VCF-style: chr9-104794444-G-A. GRCh37 (hg19) VCF-style: chr9-107556725-G-A.
Other names: short protein forms R1817*.
Identifiers: ClinVar variation 4813697 (VCV004813697.1), dbSNP rs779927521.

ClinVar aggregate classification (germline): Pathogenic (1 of 4 stars; one submission).

Conditions:
Tangier disease (TGD). Also called: HIGH DENSITY LIPOPROTEIN DEFICIENCY, TANGIER TYPE; HIGH DENSITY LIPOPROTEIN DEFICIENCY, TYPE 1; Cholesterol thesaurismosis. Identifiers: Orphanet 31150, MedGen C0039292, MONDO:0008783, OMIM 205400.

gnomAD v4.1: 6 of 1,602,350 alleles (0.00037%); highest among the groups gnomAD compares: Admixed American, 0.0017%; no homozygotes.

Submission:

Variantyx, Inc.
Classification: Pathogenic for Tangier disease. Last evaluated: 2025-10-21. Review status: criteria provided, single submitter. Criteria: Variantyx Assertion Criteria 2022. Collection method: clinical testing. Allele origin: germline. Inheritance: Autosomal recessive inheritance.
Comment: This is a nonsense variant in the ABCA1 gene (OMIM: 600046). Pathogenic variants in this gene have been associated with autosomal recessive Tangier disease. This variant introduces a premature termination codon in exon 40 out of 50 and is expected to result in loss of function, which is a known disease mechanism for ABCA1 in this disorder (PMID: 10525055, 10760292, 20880529) (PVS1). This variant has been identified in the homozygous or compound heterozygous state in at least 2 individuals reported in the published literature (PMID: 22959828, 26479764) (PM3) and has a 0.0022% maximum allele frequency in non-founder control populations (PM2). Based on the current evidence, this variant is classified as pathogenic for autosomal recessive Tangier disease.

Literature cited by the submitters: PubMed 22959828; PubMed 26479764; PubMed 10525055; PubMed 10760292; PubMed 20880529.